The following is an entry in ClinVar:

NM_030662.4(MAP2K2):c.581-20C>T

Gene: MAP2K2 (mitogen-activated protein kinase kinase 2; minus strand). Cytogenetic location: 19p13.3.
Variant type: single nucleotide variant.
Coding change: c.581-20C>T on transcript NM_030662.4 (MANE Select); 20 bases into the intron before coding-DNA position 581, C replaced by T.
Molecular consequence: intron variant.
Genome position (GRCh38, 1-based): chr19:4,101,163, G>A on the plus strand (C>T on the coding strand, the complement: MAP2K2 is on the minus strand). VCF-style: chr19-4101163-G-A. GRCh37 (hg19) VCF-style: chr19-4101161-G-A.
Identifiers: ClinVar variation 388631 (VCV000388631.1), dbSNP rs1057523179, ClinGen allele CA16607834.

ClinVar aggregate classification (germline): Likely benign (1 of 4 stars; one submission).

Allele frequency attached by ClinVar (database versions not stated): gnomAD exomes below 0.00001.
gnomAD v4.1: 1 of 1,604,670 alleles (0.000062%); highest among the groups gnomAD compares: African/African-American, 0.0013%; no homozygotes.

Submission:

GeneDx
Classification: Likely benign. Last evaluated: 2016-08-22. Review status: criteria provided, single submitter. Criteria: GeneDx Variant Classification (06012015). Collection method: clinical testing. Allele origin: germline. Affected: yes.
Comment: This variant is considered likely benign or benign based on one or more of the following criteria: it is a conservative change, it occurs at a poorly conserved position in the protein, it is predicted to be benign by multiple in silico algorithms, and/or has population frequency not consistent with disease.